The following is an entry in ClinVar:

NM_000370.3(TTPA):c.192C>T (p.Asp64=)

Gene: TTPA (alpha tocopherol transfer protein; minus strand). Cytogenetic location: 8q12.3.
Variant type: single nucleotide variant.
Coding change: c.192C>T on transcript NM_000370.3 (MANE Select); coding-DNA position 192, C replaced by T.
Protein change: p.Asp64=; no amino-acid change (aspartic acid 64 retained).
Molecular consequence: synonymous variant.
Genome position (GRCh38, 1-based): chr8:63,085,830, G>A on the plus strand (C>T on the coding strand, the complement: TTPA is on the minus strand). VCF-style: chr8-63085830-G-A. GRCh37 (hg19) VCF-style: chr8-63998389-G-A.
Identifiers: ClinVar variation 1078314 (VCV001078314.11), dbSNP rs557316937, ClinGen allele CA4763309.

ClinVar aggregate classification (germline): Likely benign. Review status: criteria provided, multiple submitters, no conflicts (2 of 4 stars). 3 submissions from 3 submitters: Likely benign (3). Last evaluated 2026-09-25.

Conditions:
TTPA-related disorder. Also called: TTPA-related condition.

Allele frequency attached by ClinVar (database versions not stated): ExAC 0.00009; 1000 Genomes Project 30x 0.00016; 1000 Genomes Project 0.00020.
gnomAD v4.1: 66 of 1,536,610 alleles (0.0043%); highest among the groups gnomAD compares: South Asian, 0.018%; no homozygotes.

Submissions (3):

PreventionGenetics, part of Exact Sciences
Classification: Likely benign for TTPA-related condition. Last evaluated: 2026-09-25. Review status: criteria provided, single submitter. Criteria: ACMG Guidelines, 2015. Collection method: clinical testing. Allele origin: germline.
Comment: This variant is classified as likely benign based on ACMG/AMP sequence variant interpretation guidelines (Richards et al. 2015 PMID: 25741868, with internal and published modifications).

Labcorp Genetics (formerly Invitae), Labcorp
Classification: Likely benign. Last evaluated: 2026-01-19. Review status: criteria provided, single submitter. Criteria: Invitae Variant Classification Sherloc (09022015). Collection method: clinical testing. Allele origin: germline.

Blueprint Genetics
Classification: Likely benign. Last evaluated: 2024-11-25. Review status: criteria provided, single submitter. Criteria: ACMG Guidelines, 2015. Collection method: clinical testing. Allele origin: germline.